The following is an entry in ClinVar:

NM_001368397.1(FRMPD4):c.3254C>T (p.Ala1085Val)

Gene: FRMPD4 (FERM and PDZ domain containing 4; plus strand). Cytogenetic location: Xp22.2.
Variant type: single nucleotide variant.
Coding change: c.3254C>T on transcript NM_001368397.1 (MANE Select); coding-DNA position 3254, C replaced by T.
Protein change: p.Ala1085Val; replaces alanine 1085 with valine.
Molecular consequence: missense variant.
Genome position (GRCh38, 1-based): chrX:12,718,080, C>T. VCF-style: chrX-12718080-C-T. GRCh37 (hg19) VCF-style: chrX-12736199-C-T.
Other names: c.3365C>T, p.Ala1122Val (NM_001368395.3, NM_001368398.3); c.3260C>T, p.Ala1087Val (NM_001368396.3); c.3245C>T, p.Ala1082Val (NM_001368399.3); c.3134C>T, p.Ala1045Val (NM_001368400.3); c.3230C>T, p.Ala1077Val (NM_001368401.1, NM_001368402.3); c.3254C>T, p.Ala1085Val (NM_014728.3); short protein forms A1087V, A1077V, A1122V, A1045V, A1082V, A1085V.
Identifiers: ClinVar variation 4983053 (VCV004983053.1).

ClinVar aggregate classification (germline): Uncertain significance (1 of 4 stars; one submission).

Conditions:
FRMPD4-related disorder. Also called: FRMPD4-related condition.

Submission:

PreventionGenetics, part of Exact Sciences
Classification: Uncertain significance for FRMPD4-related condition. Last evaluated: 2024-11-05. Review status: criteria provided, single submitter. Criteria: ACMG Guidelines, 2015. Collection method: clinical testing. Allele origin: germline.
Comment: The FRMPD4 c.3254C>T variant is predicted to result in the amino acid substitution p.Ala1085Val. To our knowledge, this variant has not been reported in the literature or in a large population database (gnomAD), indicating this variant is rare. At this time, the clinical significance of this variant is uncertain due to the absence of conclusive functional and genetic evidence.